The following is an entry in ClinVar:

ClinVar aggregate classification (germline): Likely benign. Review status: criteria provided, single submitter (1 of 4 stars). 2 submissions from 2 submitters: Likely benign (1). 1 of the submissions does not count toward it. Last evaluated 2025-12-23.

Conditions:
FANCB-related disorder. Also called: FANCB-related condition.
Fanconi anemia (FA). Also called: Fanconi's anemia. Identifiers: Orphanet 84, MedGen C0015625, MeSH D005199, MONDO:0019391.

Allele frequency attached by ClinVar (database versions not stated): gnomAD exomes 0.00001 and 0.00003; ExAC 0.00007; TOPMed 0.00008; gnomAD 0.00009 and 0.00010; 1000 Genomes Project 30x 0.00021; 1000 Genomes Project 0.00026.
gnomAD v4.1: 18 of 1,209,126 alleles (0.0015%); highest among the groups gnomAD compares: African/African-American, 0.03%; no homozygotes.

Submissions (2):

Labcorp Genetics (formerly Invitae), Labcorp
Classification: Likely benign for Fanconi anemia. Last evaluated: 2025-12-23. Review status: criteria provided, single submitter. Criteria: Invitae Variant Classification Sherloc (09022015). Collection method: clinical testing. Allele origin: germline.

PreventionGenetics, part of Exact Sciences
Classification: Likely benign for FANCB-related condition. Last evaluated: 2023-11-20. Review status: no assertion criteria provided. Collection method: clinical testing. Allele origin: germline. Not counted in ClinVar's aggregate classification.
Comment: This variant is classified as likely benign based on ACMG/AMP sequence variant interpretation guidelines (Richards et al. 2015 PMID: 25741868, with internal and published modifications).

NM_001018113.3(FANCB):c.414T>A (p.Asn138Lys)

Gene: FANCB (FA complementation group B; minus strand). Cytogenetic location: Xp22.2.
Variant type: single nucleotide variant.
Coding change: c.414T>A on transcript NM_001018113.3 (MANE Select); coding-DNA position 414, T replaced by A.
Protein change: p.Asn138Lys; replaces asparagine 138 with lysine.
Molecular consequence: missense variant.
Genome position (GRCh38, 1-based): chrX:14,865,097, A>T on the plus strand (T>A on the coding strand, the complement: FANCB is on the minus strand). VCF-style: chrX-14865097-A-T. GRCh37 (hg19) VCF-style: chrX-14883219-A-T.
Other names: c.414T>A, p.Asn138Lys (NM_001324162.2, NM_152633.4); c.414T>A (NM_001018113.2); short protein forms N138K.
Identifiers: ClinVar variation 1617236 (VCV001617236.10), dbSNP rs201281219, ClinGen allele CA10353206.